The following is an entry in ClinVar:

NM_022836.4(DCLRE1B):c.279C>T (p.Thr93=)

Gene: DCLRE1B (DNA cross-link repair 1B; plus strand). Cytogenetic location: 1p13.2.
Variant type: single nucleotide variant.
Coding change: c.279C>T on transcript NM_022836.4 (MANE Select); coding-DNA position 279, C replaced by T.
Protein change: p.Thr93=; no amino-acid change (threonine 93 retained).
Molecular consequence: synonymous variant. On other transcripts: intron variant (3).
Genome position (GRCh38, 1-based): chr1:113,907,085, C>T. VCF-style: chr1-113907085-C-T. GRCh37 (hg19) VCF-style: chr1-114449707-C-T.
Other names: c.279C>T, p.Thr93= (NM_001363690.2, LRG_1219t1); c.-23-924C>T (NM_001319947.2, NM_001319946.2, NM_001363691.2).
Identifiers: ClinVar variation 465150 (VCV000465150.15), dbSNP rs144640614, ClinGen allele CA1016328.

ClinVar aggregate classification (germline): Likely benign. Review status: criteria provided, multiple submitters, no conflicts (2 of 4 stars). 3 submissions from 3 submitters: Likely benign (2). 1 of the submissions does not count toward it. Last evaluated 2025-06-09.

Conditions:
DCLRE1B-related disorder. Also called: DCLRE1B-related condition.
Autosomal recessive dyskeratosis congenita. Identifiers: MedGen C3502105.
Hoyeraal-Hreidarsson syndrome (HHS). Also called: CEREBELLAR HYPOPLASIA WITH PANCYTOPENIA. Identifiers: Orphanet 3322, MedGen C1846142, MONDO:0018045.

Allele frequency attached by ClinVar (database versions not stated): gnomAD 0.00042 and 0.00045; 1000 Genomes Project 30x 0.00047; gnomAD exomes 0.00050 and 0.00071; ExAC 0.00054; ESP Exome Variant Server 0.00054; TOPMed 0.00058; 1000 Genomes Project 0.00060.
gnomAD v4.1: 1,099 of 1,614,022 alleles (0.068%); highest among the groups gnomAD compares: Admixed American, 0.095%; 1 homozygote.

Submissions (3):

Labcorp Genetics (formerly Invitae), Labcorp
Classification: Likely benign for Hoyeraal-Hreidarsson syndrome; Autosomal recessive dyskeratosis congenita. Last evaluated: 2025-06-09. Review status: criteria provided, single submitter. Criteria: Invitae Variant Classification Sherloc (09022015). Collection method: clinical testing. Allele origin: germline.

Blueprint Genetics
Classification: Likely benign. Last evaluated: 2024-10-09. Review status: criteria provided, single submitter. Criteria: ACMG Guidelines, 2015. Collection method: clinical testing. Allele origin: germline.

PreventionGenetics, part of Exact Sciences
Classification: Likely benign for DCLRE1B-related condition. Last evaluated: 2020-03-17. Review status: no assertion criteria provided. Collection method: clinical testing. Allele origin: germline. Not counted in ClinVar's aggregate classification.
Comment: This variant is classified as likely benign based on ACMG/AMP sequence variant interpretation guidelines (Richards et al. 2015 PMID: 25741868, with internal and published modifications).